The following is an entry in ClinVar:

ClinVar aggregate classification (germline): Likely pathogenic (1 of 4 stars; one submission).

Conditions:
Intellectual developmental disorder, X-linked, syndromic, Turner type. Also called: X-linked intellectual disability, Turner type; Intellectual disability, X-linked syndromic, Turner type. Identifiers: Orphanet 3056, Orphanet 85328, MedGen C2678046, MONDO:0010407, OMIM 309590.

Submission:

Gansu Provincial Maternity and Child Care Hospital
Classification: Likely pathogenic for Intellectual developmental disorder, X-linked, syndromic, Turner type. Last evaluated: 2026-05-18. Review status: criteria provided, single submitter. Criteria: ACMG Guidelines, 2015. Collection method: clinical testing. Allele origin: de novo. Inheritance: X-linked inheritance. Affected: yes.
Comment: The c.10034A>T (p.Lys3345Met) variant is a missense variant. Parental verification confirmed it as a de novo variant (PS2). This site is not recorded in the gnomAD database (PM2_supporting).Missense variant in HUWE1 has a low rate of benign missense variation and in which missense variants are a common mechanism of disease(PP2).Multiple in silico tools predicted a deleterious effect (PP3).This variant is classified as Likely pathogenic.

NM_031407.7(HUWE1):c.10034A>T (p.Lys3345Met)

Gene: HUWE1 (HECT, UBA and WWE domain containing E3 ubiquitin protein ligase 1; minus strand). Cytogenetic location: Xp11.22.
Variant type: single nucleotide variant.
Coding change: c.10034A>T on transcript NM_031407.7 (MANE Select); coding-DNA position 10034, A replaced by T.
Protein change: p.Lys3345Met; replaces lysine 3345 with methionine.
Molecular consequence: missense variant.
Genome position (GRCh38, 1-based): chrX:53,548,960, T>A on the plus strand (A>T on the coding strand, the complement: HUWE1 is on the minus strand). VCF-style: chrX-53548960-T-A. GRCh37 (hg19) VCF-style: chrX-53575921-T-A.
Other names: c.10031A>T, p.Lys3344Met (NM_001441048.1, NM_001441051.1, NM_001441053.1 and 2 more transcripts); c.10034A>T, p.Lys3345Met (NM_001441049.1, NM_001441054.1, NM_001441057.1); c.10055A>T, p.Lys3352Met (NM_001441050.1, NM_001441055.1); c.9632A>T, p.Lys3211Met (NM_001441052.1); short protein forms K3211M, K3344M, K3345M, K3352M.
Identifiers: ClinVar variation 4851318 (VCV004851318.1).
Genomic context (GRCh38, chrX:53,548,960, plus strand): 5'-ACCCAGGCTCTTGCTGCCACCCTTCTTCCATCCCCAGGAGTTGGGTTTGAAACCCTCACC[T>A]TGGCCAATTGAATGAGTGTATCCAAAACGTGTCTGCAGACAACAGGAGCAGCTTGGGGAT-3'
Protein context (NP_113584.3, residues 3335-3355): HVLDTLIQLA[Lys3345Met]VFPSHFTQQR